The following is an entry in ClinVar:

NM_001042492.3(NF1):c.6705-1del

Gene: NF1 (neurofibromin 1; plus strand). Cytogenetic location: 17q11.2.
Variant type: Deletion.
Coding change: c.6705-1del on transcript NM_001042492.3 (MANE Select); the canonical splice acceptor site of the intron before coding-DNA position 6705, one base deleted (G; older notation c.6705-1delG).
Molecular consequence: splice acceptor variant.
Genome position (GRCh38, 1-based): chr17:31,338,024, G deleted. VCF-style (leftmost placement, unchanged base first): chr17-31338023-AG-A. GRCh37 (hg19) VCF-style: chr17-29665041-AG-A.
Other names: c.6642-1del (NM_000267.4).
Identifiers: ClinVar variation 2776403 (VCV002776403.3), dbSNP rs2508758891, ClinGen allele CA2739267432.
Genomic context (GRCh38, chr17:31,338,023, plus strand): 5'-TTATTATTTAGTATATATAAACACAAAGGTTTTTATAAGTTCTGTGGATCTTTTAATTGC[AG>A]ATTTGCATTCCAATATAATCCATCCCTGCAACCAAGAGCTCTTGTTGTCTTTGGGTGTAT-3'

ClinVar aggregate classification (germline): Likely pathogenic (1 of 4 stars; one submission).

Conditions:
Neurofibromatosis, type 1 (NF1). Also called: VON RECKLINGHAUSEN DISEASE; Peripheral type neurofibromatosis; Neurofibromatosis, type I; NEUROFIBROMATOSIS, TYPE I, SOMATIC. Identifiers: Orphanet 636, MedGen C0027831, MONDO:0018975, OMIM 162200. Disease mechanism: loss of function.

Submission:

Labcorp Genetics (formerly Invitae), Labcorp
Classification: Likely pathogenic for Neurofibromatosis, type 1. Last evaluated: 2023-03-03. Review status: criteria provided, single submitter. Criteria: Invitae Variant Classification Sherloc (09022015). Collection method: clinical testing. Allele origin: germline.
Comment: In summary, the currently available evidence indicates that the variant is pathogenic, but additional data are needed to prove that conclusively. Therefore, this variant has been classified as Likely Pathogenic. Algorithms developed to predict the effect of sequence changes on RNA splicing suggest that this variant may disrupt the consensus splice site. This variant has not been reported in the literature in individuals affected with NF1-related conditions. This sequence change affects a splice site in intron 43 of the NF1 gene. It is expected to disrupt RNA splicing. Variants that disrupt the donor or acceptor splice site typically lead to a loss of protein function (PMID: 16199547), and loss-of-function variants in NF1 are known to be pathogenic (PMID: 10712197, 23913538). This variant is not present in population databases (gnomAD no frequency).

Literature cited by the submitters: PubMed 16199547; PubMed 10712197; PubMed 23913538.